The following is an entry in ClinVar:

NM_024884.3(L2HGDH):c.284G>A (p.Gly95Asp)

Gene: L2HGDH (L-2-hydroxyglutarate dehydrogenase; minus strand). Cytogenetic location: 14q21.3.
Variant type: single nucleotide variant.
Coding change: c.284G>A on transcript NM_024884.3 (MANE Select); coding-DNA position 284, G replaced by A.
Protein change: p.Gly95Asp; replaces glycine 95 with aspartic acid.
Molecular consequence: missense variant.
Genome position (GRCh38, 1-based): chr14:50,302,141, C>T on the plus strand (G>A on the coding strand, the complement: L2HGDH is on the minus strand). VCF-style: chr14-50302141-C-T. GRCh37 (hg19) VCF-style: chr14-50768859-C-T.
Other names: short protein forms G95D.
Identifiers: ClinVar variation 1354601 (VCV001354601.6), dbSNP rs1227367592, ClinGen allele CA389659391.
Genomic context (GRCh38, chr14:50,302,141, plus strand): 5'-TGTACACATAATTTGGCTTTCAGAGACTCAGGTTTATAATAAATTCCACTATGTATGACA[C>T]CACTGTTATGTCCAGTCTGGTGAACAGCTACAGAACAAGAGAAACAGGGTAAGAGTAAGT-3'
Protein context (NP_079160.1, residues 85-105): LAVHQTGHNS[Gly95Asp]VIHSGIYYKP

ClinVar aggregate classification (germline): Uncertain significance (1 of 4 stars; one submission).

Conditions:
L-2-hydroxyglutaric aciduria (L2HGA). Identifiers: Orphanet 79314, MedGen C1855995, MONDO:0009370, OMIM 236792, HP:0040144.

Allele frequency attached by ClinVar (database versions not stated): TOPMed below 0.00001; gnomAD 0.00001.
gnomAD v4.1: 1 of 1,613,956 alleles (0.000062%); highest among the groups gnomAD compares: Admixed American, 0.0017%; no homozygotes.

Submission:

Labcorp Genetics (formerly Invitae), Labcorp
Classification: Uncertain significance for L-2-hydroxyglutaric aciduria. Last evaluated: 2022-03-08. Review status: criteria provided, single submitter. Criteria: Invitae Variant Classification Sherloc (09022015). Collection method: clinical testing. Allele origin: germline.
Comment: This sequence change replaces glycine, which is neutral and non-polar, with aspartic acid, which is acidic and polar, at codon 95 of the L2HGDH protein (p.Gly95Asp). This variant is not present in population databases (gnomAD no frequency). In summary, the available evidence is currently insufficient to determine the role of this variant in disease. Therefore, it has been classified as a Variant of Uncertain Significance. Algorithms developed to predict the effect of missense changes on protein structure and function are either unavailable or do not agree on the potential impact of this missense change (SIFT: "Tolerated"; PolyPhen-2: "Probably Damaging"; Align-GVGD: "Class C15"). This variant has not been reported in the literature in individuals affected with L2HGDH-related conditions.